The following is an entry in ClinVar:

ClinVar aggregate classification (germline): Pathogenic. Review status: criteria provided, multiple submitters, no conflicts (2 of 4 stars). 2 submissions from 2 submitters: Pathogenic (2). Last evaluated 2023-10-18.

Conditions:
Neuromuscular disease caused by qualitative or quantitative defects of dystrophin. Also called: Qualitative or quantitative defects of dystrophin. Identifiers: Orphanet 207085, MedGen C5679787, MONDO:0016147.
Duchenne muscular dystrophy (DMD). Also called: MUSCULAR DYSTROPHY, PSEUDOHYPERTROPHIC PROGRESSIVE, DUCHENNE TYPE; Duchenne Muscular Dystrophy (DMD). Identifiers: Orphanet 98896, MedGen C0013264, MONDO:0010679, OMIM 310200.

Submissions (2):

Illumina Laboratory Services, Illumina
Classification: Pathogenic for Neuromuscular disease caused by qualitative or quantitative defects of dystrophin. Last evaluated: 2023-10-18. Review status: criteria provided, single submitter. Criteria: ICSLVariantClassificationCriteria RUGD 01 April 2020. Collection method: clinical testing. Allele origin: unknown.
Comment: The DMD c.9649+1G>A variant results in a substitution at the consensus splice donor site which may result in splicing defects. Analysis of a muscle biopsy sample from this individual demonstrated an absence of dystrophin. This variant is not observed in version 2.1.1 or version 3.1.2 of the Genome Aggregation Database. Based on the available evidence, the c.9649+1G>A variant is classified as pathogenic for dystrophinopathies.

Labcorp Genetics (formerly Invitae), Labcorp
Classification: Pathogenic for Duchenne muscular dystrophy. Last evaluated: 2022-08-09. Review status: criteria provided, single submitter. Criteria: Invitae Variant Classification Sherloc (09022015). Collection method: clinical testing. Allele origin: germline.
Comment: This variant is not present in population databases (gnomAD no frequency). This sequence change affects a donor splice site in intron 66 of the DMD gene. It is expected to disrupt RNA splicing. Variants that disrupt the donor or acceptor splice site typically lead to a loss of protein function (PMID: 16199547), and loss-of-function variants in DMD are known to be pathogenic (PMID: 16770791, 25007885). Disruption of this splice site has been observed in individuals with Duchenne muscular dystrophy (PMID: 10909857, 16770791). ClinVar contains an entry for this variant (Variation ID: 455947). Algorithms developed to predict the effect of sequence changes on RNA splicing suggest that this variant may disrupt the consensus splice site. For these reasons, this variant has been classified as Pathogenic.

Literature cited by the submitters: PubMed 19602481 (cited by Illumina Laboratory Services, Illumina); PubMed 10909857 (cited by Illumina Laboratory Services, Illumina and Labcorp Genetics (formerly Invitae), Labcorp); PubMed 17041906 (cited by Illumina Laboratory Services, Illumina); PubMed 16199547 (cited by Labcorp Genetics (formerly Invitae), Labcorp); PubMed 16770791 (cited by Labcorp Genetics (formerly Invitae), Labcorp); PubMed 25007885 (cited by Labcorp Genetics (formerly Invitae), Labcorp).

NM_004006.3(DMD):c.9649+1G>A

Gene: DMD (dystrophin; minus strand). Cytogenetic location: Xp21.2.
Variant type: single nucleotide variant.
Coding change: c.9649+1G>A on transcript NM_004006.3 (MANE Select); the canonical splice donor site of the intron after coding-DNA position 9649, G replaced by A.
Molecular consequence: splice donor variant.
Genome position (GRCh38, 1-based): chrX:31,206,581, C>T on the plus strand (G>A on the coding strand, the complement: DMD is on the minus strand). VCF-style: chrX-31206581-C-T. GRCh37 (hg19) VCF-style: chrX-31224698-C-T.
Other names: c.9625+1G>A (NM_000109.4); c.5626+1G>A (NM_004011.4); c.5617+1G>A (NM_004012.4); c.2269+1G>A (NM_004023.3, NM_004020.4, NM_004022.3 and 2 more transcripts); c.1462+1G>A (NM_004014.3); c.445+1G>A (NM_004018.3, NM_004017.3, NM_004016.3 and 2 more transcripts); c.9637+1G>A (NM_004009.3); c.9280+1G>A (NM_004010.3).
Identifiers: ClinVar variation 455947 (VCV000455947.10), dbSNP rs1556256329, ClinGen allele CA412649342.